The following is an entry in ClinVar:

ClinVar aggregate classification (germline): Benign/Likely benign. Review status: criteria provided, multiple submitters, no conflicts (2 of 4 stars). 2 submissions from 2 submitters: Benign (1); Likely benign (1). Last evaluated 2026-07-30.

Conditions:
Hereditary pheochromocytoma and paraganglioma. Also called: Hereditary paragangliomas and pheochromocytomas; Hereditary Paraganglioma-Pheochromocytoma Syndromes; Hereditary pheochromocytoma-paraganglioma. Identifiers: Orphanet 29072, MedGen C4274332, MONDO:0017366.

Allele frequency attached by ClinVar (database versions not stated): gnomAD 0.00002; gnomAD exomes 0.00001; TOPMed 0.00001.
gnomAD v4.1: 17 of 1,613,686 alleles (0.0011%); highest among the groups gnomAD compares: African/African-American, 0.0013%; no homozygotes.

Submissions (2):

Myriad Genetics, Inc.
Classification: Benign for Hereditary pheochromocytoma and paraganglioma. Last evaluated: 2026-07-30. Review status: criteria provided, single submitter. Criteria: Myriad Autosomal Dominant, Autosomal Recessive and X-Linked Classification Criteria (2023). Collection method: clinical testing. Allele origin: unknown.
Comment: This variant is considered benign. This variant is intronic and is not expected to impact mRNA splicing.

Labcorp Genetics (formerly Invitae), Labcorp
Classification: Likely benign for Hereditary pheochromocytoma and paraganglioma. Last evaluated: 2025-08-15. Review status: criteria provided, single submitter. Criteria: Invitae Variant Classification Sherloc (09022015). Collection method: clinical testing. Allele origin: germline.

NM_017849.4(TMEM127):c.409+19C>T

Gene: TMEM127 (transmembrane protein 127; minus strand). Cytogenetic location: 2q11.2.
Variant type: single nucleotide variant.
Coding change: c.409+19C>T on transcript NM_017849.4 (MANE Select); 19 bases into the intron after coding-DNA position 409, C replaced by T.
Molecular consequence: intron variant.
Genome position (GRCh38, 1-based): chr2:96,254,814, G>A on the plus strand (C>T on the coding strand, the complement: TMEM127 is on the minus strand). VCF-style: chr2-96254814-G-A. GRCh37 (hg19) VCF-style: chr2-96920552-G-A.
Other names: c.409+19C>T (NM_001193304.3).
Identifiers: ClinVar variation 1555526 (VCV001555526.9), dbSNP rs1484437085, ClinGen allele CA534370985.